The following is an entry in ClinVar:

NM_007236.5(CHP1):c.412-4C>T

Gene: CHP1 (calcineurin like EF-hand protein 1; plus strand). Cytogenetic location: 15q15.1.
Variant type: single nucleotide variant.
Coding change: c.412-4C>T on transcript NM_007236.5 (MANE Select); 4 bases into the intron before coding-DNA position 412, C replaced by T.
Molecular consequence: intron variant.
Genome position (GRCh38, 1-based): chr15:41,278,763, C>T. VCF-style: chr15-41278763-C-T. GRCh37 (hg19) VCF-style: chr15-41570961-C-T.
Identifiers: ClinVar variation 2645189 (VCV002645189.24), dbSNP rs200745775, ClinGen allele CA7490368.

ClinVar aggregate classification (germline): Likely benign (1 of 4 stars; one submission).

Allele frequency attached by ClinVar (database versions not stated): 1000 Genomes Project 30x 0.00094; 1000 Genomes Project 0.00120; gnomAD 0.00290; TOPMed 0.00295; ExAC 0.00305; ESP Exome Variant Server 0.00323; gnomAD exomes 0.00435.
gnomAD v4.1: 6,760 of 1,614,038 alleles (0.42%); highest among the groups gnomAD compares: Non-Finnish European, 0.52%; 20 homozygotes.

Submission:

CeGaT Center for Human Genetics Tuebingen
Classification: Likely benign. Last evaluated: 2023-10-01. Review status: criteria provided, single submitter. Criteria: CeGaT Center For Human Genetics Tuebingen Variant Classification Criteria Version 2. Collection method: clinical testing. Allele origin: germline. Affected: yes. Observed: 4 variant alleles.
Comment: CHP1: BP4, BS2